The following is an entry in ClinVar:

NM_001370658.1(BTD):c.335T>G (p.Met112Arg)

Gene: BTD (biotinidase; plus strand). Cytogenetic location: 3p25.1.
Variant type: single nucleotide variant.
Coding change: c.335T>G on transcript NM_001370658.1 (MANE Select); coding-DNA position 335, T replaced by G.
Protein change: p.Met112Arg; replaces methionine 112 with arginine.
Molecular consequence: missense variant.
Genome position (GRCh38, 1-based): chr3:15,641,993, T>G. VCF-style: chr3-15641993-T-G. GRCh37 (hg19) VCF-style: chr3-15683500-T-G.
Other names: c.335T>G, p.Met112Arg (NM_001407401.1, NM_001281723.4, NM_001281724.3 and 36 more transcripts); c.398T>G, p.Met133Arg (NM_001407381.1); short protein forms M112R, M133R.
Identifiers: ClinVar variation 4847275 (VCV004847275.1).

ClinVar aggregate classification (germline): Uncertain significance (1 of 4 stars; one submission).

Submission:

Women's Health and Genetics/Laboratory Corporation of America, LabCorp
Classification: Uncertain significance. Last evaluated: 2026-03-12. Review status: criteria provided, single submitter. Criteria: LabCorp Variant Classification Summary - May 2015. Collection method: clinical testing. Allele origin: germline.
Comment: Variant summary: BTD c.335T>G (p.Met112Arg) results in a non-conservative amino acid change in the encoded protein sequence. Algorithms developed to predict the effect of missense changes on protein structure and function all suggest that this variant is likely to be disruptive. The variant was absent in 251284 control chromosomes. The available data on variant occurrences in the general population are insufficient to allow any conclusion about variant significance. To our knowledge, no occurrence of c.335T>G in individuals affected with BTD-related conditions and no experimental evidence demonstrating its impact on protein function have been reported. No submitters have cited clinical-significance assessments for this variant to ClinVar. Based on the evidence outlined above, the variant was classified as uncertain significance.